The following is an entry in ClinVar:

ClinVar aggregate classification (germline): Benign. Review status: criteria provided, single submitter (1 of 4 stars). 2 submissions from 2 submitters: Benign (1). 1 of the submissions does not count toward it. Last evaluated 2023-02-01.

Conditions:
NUP188-related disorder. Also called: NUP188-related condition.

Allele frequency attached by ClinVar (database versions not stated): TOPMed 0.00010; gnomAD 0.00052; gnomAD exomes 0.00065; ExAC 0.00151; 1000 Genomes Project 0.00399; 1000 Genomes Project 30x 0.00453.
gnomAD v4.1: 1,039 of 1,613,874 alleles (0.064%); highest among the groups gnomAD compares: South Asian, 1.1%; 16 homozygotes.

Submissions (2):

CeGaT Center for Human Genetics Tuebingen
Classification: Benign. Last evaluated: 2023-02-01. Review status: criteria provided, single submitter. Criteria: CeGaT Center For Human Genetics Tuebingen Variant Classification Criteria Version 2. Collection method: clinical testing. Allele origin: germline. Affected: yes. Observed: 1 variant allele.
Comment: NUP188: BP4, BP7, BS1, BS2

PreventionGenetics, part of Exact Sciences
Classification: Benign for NUP188-related condition. Last evaluated: 2019-04-19. Review status: no assertion criteria provided. Collection method: clinical testing. Allele origin: germline. Not counted in ClinVar's aggregate classification.
Comment: This variant is classified as benign based on ACMG/AMP sequence variant interpretation guidelines (Richards et al. 2015 PMID: 25741868, with internal and published modifications).

NM_015354.3(NUP188):c.3261C>T (p.Ala1087=)

Gene: NUP188 (nucleoporin 188; plus strand). Cytogenetic location: 9q34.11.
Variant type: single nucleotide variant.
Coding change: c.3261C>T on transcript NM_015354.3 (MANE Select); coding-DNA position 3261, C replaced by T.
Protein change: p.Ala1087=; no amino-acid change (alanine 1087 retained).
Molecular consequence: synonymous variant.
Genome position (GRCh38, 1-based): chr9:128,995,424, C>T. VCF-style: chr9-128995424-C-T. GRCh37 (hg19) VCF-style: chr9-131757703-C-T.
Other names: c.3261C>T (NM_015354.2).
Identifiers: ClinVar variation 2659560 (VCV002659560.25), dbSNP rs200277676, ClinGen allele CA5272901.